The following is an entry in ClinVar:

ClinVar aggregate classification (germline): Benign. Review status: criteria provided, multiple submitters, no conflicts (2 of 4 stars). 6 submissions from 6 submitters: Benign (6). Last evaluated 2026-02-04.

Conditions:
Microcephalic osteodysplastic primordial dwarfism type II (MOPD2). Also called: Microcephalic osteodysplastic primordial dwarfism with tooth abnormalities; MOPD II; OSTEODYSPLASTIC PRIMORDIAL DWARFISM, TYPE II. Identifiers: Orphanet 2637, MedGen C0432246, MONDO:0008872, OMIM 210720.

Allele frequency attached by ClinVar (database versions not stated): ESP Exome Variant Server 0.10272; gnomAD 0.11349 and 0.11801; TOPMed 0.11424; gnomAD exomes 0.12672 and 0.14223; ExAC 0.14127; 1000 Genomes Project 0.14696.
gnomAD v4.1: 203,268 of 1,614,024 alleles (13%); highest among the groups gnomAD compares: East Asian, 22%; 13,937 homozygotes.

Submissions (10):

Labcorp Genetics (formerly Invitae), Labcorp
Classification: Benign. Last evaluated: 2026-02-04. Review status: criteria provided, single submitter. Criteria: Invitae Variant Classification Sherloc (09022015). Collection method: clinical testing. Allele origin: germline.

Illumina Laboratory Services, Illumina
Classification: Benign for Microcephalic osteodysplastic primordial dwarfism type II. Last evaluated: 2018-01-13. Review status: criteria provided, single submitter. Criteria: ICSL Variant Classification Criteria 13 December 2019. Collection method: clinical testing. Allele origin: germline.
Comment: This variant was observed in the ICSL laboratory as part of a predisposition screen in an ostensibly healthy population. It had not been previously curated by ICSL or reported in the Human Gene Mutation Database (HGMD: prior to June 1st, 2018), and was therefore a candidate for classification through an automated scoring system. Utilizing variant allele frequency, disease prevalence and penetrance estimates, and inheritance mode, an automated score was calculated to assess if this variant is too frequent to cause the disease. Based on the score and internal cut-off values, a variant classified as benign is not then subjected to further curation. The score for this variant resulted in a classification of benign for this disease.

GeneDx
Classification: Benign. Last evaluated: 2015-03-03. Review status: criteria provided, single submitter. Criteria: GeneDx Variant Classification Process June 2021. Collection method: clinical testing. Allele origin: germline. Affected: yes.

Eurofins Ntd Llc (ga)
Classification: Benign. Last evaluated: 2013-05-09. Review status: criteria provided, single submitter. Criteria: EGL Classification Definitions 2015. Collection method: clinical testing. Allele origin: germline. Observed: 2 variant alleles, 2 heterozygotes.

Genetic Services Laboratory, University of Chicago
Classification: Benign. Last evaluated: 2013-02-08. Review status: criteria provided, single submitter. Criteria: ACMG Guidelines, 2007. Collection method: clinical testing. Allele origin: germline. Inheritance: Autosomal recessive inheritance.

Breakthrough Genomics
Classification: Benign. Review status: criteria provided, single submitter. Criteria: ACMG Guidelines, 2015. Collection method: not provided. Allele origin: germline. Inheritance: Autosomal recessive inheritance. Affected: yes.

Dr. Peter K. Rogan Lab, Western University
No classification provided (evidence only). Condition: Adrenocortical carcinoma, hereditary. Review status: no classification provided. Collection method: in vitro. Allele origin: not applicable. Functional consequence: retained intron. Not counted in ClinVar's aggregate classification.

Dr. Peter K. Rogan Lab, Western University
No classification provided (evidence only). Condition: Adrenocortical carcinoma, hereditary. Review status: no classification provided. Collection method: in vitro. Allele origin: not applicable. Functional consequence: retained intron. Not counted in ClinVar's aggregate classification.

Dr. Peter K. Rogan Lab, Western University
No classification provided (evidence only). Condition: Uterine carcinosarcoma. Review status: no classification provided. Collection method: in vitro. Allele origin: not applicable. Functional consequence: retained intron. Not counted in ClinVar's aggregate classification.

Dr. Peter K. Rogan Lab, Western University
No classification provided (evidence only). Condition: Uterine carcinosarcoma. Review status: no classification provided. Collection method: in vitro. Allele origin: not applicable. Functional consequence: retained intron. Not counted in ClinVar's aggregate classification.

NM_006031.6(PCNT):c.8811A>G (p.Thr2937=)

Gene: PCNT (pericentrin; plus strand). Cytogenetic location: 21q22.3.
Variant type: single nucleotide variant.
Coding change: c.8811A>G on transcript NM_006031.6 (MANE Select); coding-DNA position 8811, A replaced by G.
Protein change: p.Thr2937=; no amino-acid change (threonine 2937 retained).
Molecular consequence: synonymous variant.
Genome position (GRCh38, 1-based): chr21:46,435,963, A>G. VCF-style: chr21-46435963-A-G. GRCh37 (hg19) VCF-style: chr21-47855876-A-G.
Other names: c.8220A>G, p.Thr2740= (NM_001315529.2).
Identifiers: ClinVar variation 95343 (VCV000095343.23), dbSNP rs17371795, ClinGen allele CA148453.
Genomic context (GRCh38, chr21:46,435,963, plus strand): 5'-GCGAGAATTAGAACTGCAGCGTCAGCGTGACTTGCATAAGATCAAGCAGCTTCAGCAGAC[A>G]GTGAGAGACCTGGAGTCGAAGGACGAGGTGCCTGGCAGCCGCCTCCACCTAGGTTCTGCC-3'
Protein context (NP_006022.3, residues 2927-2947): DLHKIKQLQQ[Thr2937=]VRDLESKDEV